The following is an entry in ClinVar:

ClinVar aggregate classification (germline): Likely pathogenic (1 of 4 stars; one submission).

Conditions:
Hyperphosphatasia with impaired intellectual development syndrome 2. Also called: Hyperphosphatasia with intellectual disability syndrome 2; GLYCOSYLPHOSPHATIDYLINOSITOL BIOSYNTHESIS DEFECT 6. Identifiers: Orphanet 247262, MedGen C3553637, MONDO:0013882, OMIM 614749.

Allele frequency attached by ClinVar (database versions not stated): gnomAD exomes below 0.00001.
gnomAD v4.1: 1 of 1,607,580 alleles (0.000062%); highest among the groups gnomAD compares: Non-Finnish European, 0.000085%; no homozygotes.

Submission:

Illumina Laboratory Services, Illumina
Classification: Likely pathogenic for Hyperphosphatasia with impaired intellectual development syndrome 2. Last evaluated: 2019-02-08. Review status: criteria provided, single submitter. Criteria: ICSLVariantClassificationCriteria RUGD 01 April 2020. Collection method: clinical testing. Allele origin: unknown.
Comment: The PIGO c.2854+1G>A variant occurs in a canonical splice site (donor) and is therefore predicted to disrupt or distort the normal gene product. A literature search was performed for the gene and cDNA change. No publications were found based on this search. This variant is not found in the Genome Aggregation Database in a region of good sequence coverage so the variant is presumed to be rare. Based on its rarity and predicted consequence, the c.2854+1G>A variant is classified as likely pathogenic for hyperphosphatasia with intellectual disability syndrome, type 2.

NM_032634.4(PIGO):c.2854+1G>A

Gene: PIGO (phosphatidylinositol glycan anchor biosynthesis class O; minus strand). Cytogenetic location: 9p13.3.
Variant type: single nucleotide variant.
Coding change: c.2854+1G>A on transcript NM_032634.4 (MANE Select); the canonical splice donor site of the intron after coding-DNA position 2854, G replaced by A.
Molecular consequence: splice donor variant.
Genome position (GRCh38, 1-based): chr9:35,090,465, C>T on the plus strand (G>A on the coding strand, the complement: PIGO is on the minus strand). VCF-style: chr9-35090465-C-T. GRCh37 (hg19) VCF-style: chr9-35090462-C-T.
Other names: c.1603+1G>A (NM_152850.4, NM_001201484.2).
Identifiers: ClinVar variation 989246 (VCV000989246.5), dbSNP rs1829364614, ClinGen allele CA373318037.